The following is an entry in ClinVar:

NM_152515.5(CKAP2L):c.1602+3A>G

Gene: CKAP2L (cytoskeleton associated protein 2L; minus strand). Cytogenetic location: 2q14.1.
Variant type: single nucleotide variant.
Coding change: c.1602+3A>G on transcript NM_152515.5 (MANE Select); 3 bases into the intron after coding-DNA position 1602, A replaced by G.
Molecular consequence: intron variant.
Genome position (GRCh38, 1-based): chr2:112,752,264, T>C on the plus strand (A>G on the coding strand, the complement: CKAP2L is on the minus strand). VCF-style: chr2-112752264-T-C. GRCh37 (hg19) VCF-style: chr2-113509841-T-C.
Other names: c.1107+3A>G (NM_001304361.2).
Identifiers: ClinVar variation 4881849 (VCV004881849.2).

ClinVar aggregate classification (germline): Uncertain significance (1 of 4 stars; one submission).

Submission:

Dasa
Classification: Uncertain significance. Last evaluated: 2025-01-28. Review status: criteria provided, single submitter. Criteria: DASA Assertion Criteria. Collection method: clinical testing. Allele origin: germline.
Comment: NM_152515.5(CKAP2L):c.1602+3A>G is a splice-region variant. This variant is rare in population databases. Computational prediction algorithms are consistent with a benign effect. The currently available literature and clinical evidence are not sufficient to establish a definitive association between this variant and the reported condition. Therefore, this variant is classified as a variant of uncertain significance.